The following is an entry in ClinVar:

ClinVar aggregate classification (germline): Pathogenic. Review status: criteria provided, single submitter (1 of 4 stars). 2 submissions from 2 submitters: Pathogenic (1). 1 of the submissions does not count toward it. Last evaluated 2024-11-01.

Conditions:
Congenital myopathy with fiber type disproportion. Also called: Congenital fiber-type disproportion myopathy; Congenital fiber-type disproportion. Identifiers: Orphanet 2020, MedGen C0546264, MONDO:0009711. Inheritance: all.

gnomAD v4.1: 2 of 1,606,148 alleles (0.00012%); highest among the groups gnomAD compares: Non-Finnish European, 0.000085%; no homozygotes.

Submissions (2):

CeGaT Center for Human Genetics Tuebingen
Classification: Pathogenic. Last evaluated: 2024-11-01. Review status: criteria provided, single submitter. Criteria: CeGaT Center For Human Genetics Tuebingen Variant Classification Criteria Version 2. Collection method: clinical testing. Allele origin: germline. Affected: yes. Observed: 1 variant allele.
Comment: RYR1: PVS1, PM2, PM3

GeneReviews
No classification provided. Condition: Congenital myopathy with fiber type disproportion. Review status: no classification provided. Collection method: literature only. Allele origin: unknown. Not counted in ClinVar's aggregate classification.

Literature cited by the submitters: PubMed 20583297 (cited by GeneReviews); PubMed 20301436 (cited by GeneReviews); NCBI Bookshelf NBK1259 (cited by GeneReviews).

NM_000540.3(RYR1):c.13480G>T (p.Glu4494Ter)

Gene: RYR1 (ryanodine receptor 1; plus strand). Cytogenetic location: 19q13.2.
Variant type: single nucleotide variant.
Coding change: c.13480G>T on transcript NM_000540.3 (MANE Select); coding-DNA position 13480, G replaced by T.
Protein change: p.Glu4494Ter; replaces glutamic acid 4494 with a stop codon.
Molecular consequence: nonsense.
Genome position (GRCh38, 1-based): chr19:38,566,953, G>T. VCF-style: chr19-38566953-G-T. GRCh37 (hg19) VCF-style: chr19-39057593-G-T.
Other names: c.13465G>T, p.Glu4489Ter (NM_001042723.2); short protein forms E4494*, E4489*.
Identifiers: ClinVar variation 42100 (VCV000042100.17), dbSNP rs143849895, ClinGen allele CA024049.